The following is an entry in ClinVar:

ClinVar aggregate classification (germline): Pathogenic/Likely pathogenic. Review status: criteria provided, multiple submitters, no conflicts (2 of 4 stars). 4 submissions from 4 submitters: Pathogenic (2); Likely pathogenic (2). Last evaluated 2025-05-05.

Conditions:
Cardiovascular phenotype. Identifiers: MedGen CN230736.
Progressive familial heart block type IB (PFHB1B). Identifiers: Orphanet 871, MedGen C1970298, MONDO:0011474, OMIM 604559.
TRPM4-related disorder. Also called: TRPM4-related disorders; TRPM4-related condition. Identifiers: MedGen CN239424.

gnomAD v4.1: 3 of 1,613,896 alleles (0.00019%); highest among the groups gnomAD compares: Non-Finnish European, 0.00025%; no homozygotes.

Submissions (4):

GeneDx
Classification: Likely pathogenic. Last evaluated: 2025-05-05. Review status: criteria provided, single submitter. Criteria: GeneDx Variant Classification Process June 2021. Collection method: clinical testing. Allele origin: germline. Affected: yes.
Comment: Not observed at significant frequency in large population cohorts (gnomAD); Published functional studies suggest a damaging effect on channel function (PMID: 26820365); In silico analysis indicates that this missense variant does not alter protein structure/function; This variant is associated with the following publications: (PMID: 40067976, 26820365, 33673806)

Labcorp Genetics (formerly Invitae), Labcorp
Classification: Pathogenic for Progressive familial heart block type IB. Last evaluated: 2023-09-29. Review status: criteria provided, single submitter. Criteria: Invitae Variant Classification Sherloc (09022015). Collection method: clinical testing. Allele origin: germline.
Comment: This sequence change replaces isoleucine, which is neutral and non-polar, with threonine, which is neutral and polar, at codon 376 of the TRPM4 protein (p.Ile376Thr). This variant is not present in population databases (gnomAD no frequency). This missense change has been observed in individual(s) with clinical features of progressive familial heart block (PMID: 26820365). It has also been observed to segregate with disease in related individuals. ClinVar contains an entry for this variant (Variation ID: 1455923). An algorithm developed to predict the effect of missense changes on protein structure and function (PolyPhen-2) suggests that this variant is likely to be tolerated. Experimental studies have shown that this missense change affects TRPM4 function (PMID: 26820365). For these reasons, this variant has been classified as Pathogenic.

Ambry Genetics
Classification: Likely pathogenic for Cardiovascular phenotype. Last evaluated: 2023-03-30. Review status: criteria provided, single submitter. Criteria: Ambry Variant Classification Scheme 2023. Collection method: clinical testing. Allele origin: germline.
Comment: The p.I376T variant (also known as c.1127T>C), located in coding exon 9 of the TRPM4 gene, results from a T to C substitution at nucleotide position 1127. The isoleucine at codon 376 is replaced by threonine, an amino acid with similar properties. This variant has been reported to segregate with progressive familial heart block in multiple affected members of a family (Daumy X et al. Int J Cardiol, 2016 Mar;207:349-58). This variant has also been detected in a cohort submitted for hypertrophic cardiomyopathy genetic testing; however, details were limited (Hathaway J et al. BMC Cardiovasc Disord. 2021 Mar;21(1):126). A functional study indicated that this variant may impact protein expression and function; however, the physiological relevance of these findings are unclear (Daumy X et al. Int J Cardiol, 2016 Mar;207:349-58). This variant is considered to be rare based on population cohorts in the Genome Aggregation Database (gnomAD). This amino acid position is well conserved in available vertebrate species. In addition, this alteration is predicted to be tolerated by in silico analysis. Based on the majority of available evidence to date, this variant is likely to be pathogenic.

Blueprint Genetics
Classification: Pathogenic for TRPM4-related disorders. Last evaluated: 2020-12-18. Review status: criteria provided, single submitter. Criteria: ACMG Guidelines, 2015. Collection method: clinical testing. Allele origin: germline. Affected: yes. Observed: 2 variant alleles.

Literature cited by the submitters: PubMed 26820365 (cited by Labcorp Genetics (formerly Invitae), Labcorp and Ambry Genetics); PubMed 33673806 (cited by Ambry Genetics).

NM_017636.4(TRPM4):c.1127T>C (p.Ile376Thr)

Gene: TRPM4 (transient receptor potential cation channel subfamily M member 4; plus strand). Cytogenetic location: 19q13.33.
Variant type: single nucleotide variant.
Coding change: c.1127T>C on transcript NM_017636.4 (MANE Select); coding-DNA position 1127, T replaced by C.
Protein change: p.Ile376Thr; replaces isoleucine 376 with threonine.
Molecular consequence: missense variant. On other transcripts: 5 prime UTR variant (1), intron variant (1).
Genome position (GRCh38, 1-based): chr19:49,172,085, T>C. VCF-style: chr19-49172085-T-C. GRCh37 (hg19) VCF-style: chr19-49675342-T-C.
Other names: c.1127T>C (NM_017636.3); c.1127T>C, p.Ile376Thr (NM_001195227.2); c.782T>C, p.Ile261Thr (NM_001321281.2); c.-427T>C (NM_001321282.2); c.605T>C, p.Ile202Thr (NM_001321283.2); c.201+316T>C (NM_001321285.2); short protein forms I202T, I261T, I376T.
Identifiers: ClinVar variation 1455923 (VCV001455923.11), dbSNP rs2122839457, ClinGen allele CA406795601.
Genomic context (GRCh38, chr19:49,172,085, plus strand): 5'-CCCGGAAGGAGCTCCTGACAGTCTATTCTTCTGAGGATGGGTCTGAGGAATTCGAGACCA[T>C]AGTTTTGAAGGCCCTTGTGAAGGGTAAAAGTTGTACCCTCCAGTCTTCCCCCTCTCTCAG-3'
Protein context (NP_060106.2, residues 366-386): SEDGSEEFET[Ile376Thr]VLKALVKACG